The following is an entry in ClinVar:

NM_032977.4(CASP10):c.*285G>A

Gene: CASP10 (caspase 10; plus strand). Cytogenetic location: 2q33.1.
Variant type: single nucleotide variant.
Coding change: c.*285G>A on transcript NM_032977.4 (MANE Select); 285 bases downstream of the stop codon, G replaced by A.
Molecular consequence: 3 prime UTR variant. On other transcripts: intron variant (2).
Genome position (GRCh38, 1-based): chr2:201,218,026, G>A. VCF-style: chr2-201218026-G-A. GRCh37 (hg19) VCF-style: chr2-202082749-G-A.
Other names: c.*285G>A (NM_001206524.2, NM_001230.5); c.*940G>A (NM_032976.4); c.1415+8464G>A (NM_032974.5); c.1286+8464G>A (NM_001206542.2).
Identifiers: ClinVar variation 333447 (VCV000333447.7), dbSNP rs3851974, ClinGen allele CA10613749.

ClinVar aggregate classification (germline): Benign. Review status: criteria provided, multiple submitters, no conflicts (2 of 4 stars). 3 submissions from 3 submitters: Benign (3). Last evaluated 2018-08-25.

Conditions:
Autoimmune lymphoproliferative syndrome type 2A (ALPS2A). Also called: CASP10-Related Autoimmune Lymphoproliferative Syndrome; AUTOIMMUNE LYMPHOPROLIFERATIVE SYNDROME, TYPE IIA; Autoimmune lymphoproliferative syndrome type 2. Identifiers: Orphanet 3261, MedGen C1858968, MONDO:0011383, OMIM 603909.

Allele frequency attached by ClinVar (database versions not stated): gnomAD exomes 0.04016; gnomAD 0.10701 and 0.11086; TOPMed 0.11136; 1000 Genomes Project 0.11581; 1000 Genomes Project 30x 0.12133.
gnomAD v4.1: 43,024 of 815,654 alleles (5.3%); highest among the groups gnomAD compares: African/African-American, 28%; 2,837 homozygotes.

Submissions (3):

GeneDx
Classification: Benign. Last evaluated: 2018-08-25. Review status: criteria provided, single submitter. Criteria: GeneDx Variant Classification Process June 2021. Collection method: clinical testing. Allele origin: germline. Affected: yes.

Illumina Laboratory Services, Illumina
Classification: Benign for Autoimmune lymphoproliferative syndrome type 2A. Last evaluated: 2018-01-12. Review status: criteria provided, single submitter. Criteria: ICSL Variant Classification Criteria 13 December 2019. Collection method: clinical testing. Allele origin: germline.
Comment: This variant was observed in the ICSL laboratory as part of a predisposition screen in an ostensibly healthy population. It had not been previously curated by ICSL or reported in the Human Gene Mutation Database (HGMD: prior to June 1st, 2018), and was therefore a candidate for classification through an automated scoring system. Utilizing variant allele frequency, disease prevalence and penetrance estimates, and inheritance mode, an automated score was calculated to assess if this variant is too frequent to cause the disease. Based on the score and internal cut-off values, a variant classified as benign is not then subjected to further curation. The score for this variant resulted in a classification of benign for this disease.

Breakthrough Genomics
Classification: Benign. Review status: criteria provided, single submitter. Criteria: ACMG Guidelines, 2015. Collection method: not provided. Allele origin: germline. Inheritance: Autosomal dominant inheritance. Affected: yes.